The following is an entry in ClinVar:

NM_001042492.3(NF1):c.3974+2T>G

Gene: NF1 (neurofibromin 1; plus strand). Cytogenetic location: 17q11.2.
Variant type: single nucleotide variant.
Coding change: c.3974+2T>G on transcript NM_001042492.3 (MANE Select); the canonical splice donor site of the intron after coding-DNA position 3974, T replaced by G.
Molecular consequence: splice donor variant.
Genome position (GRCh38, 1-based): chr17:31,236,023, T>G. VCF-style: chr17-31236023-T-G. GRCh37 (hg19) VCF-style: chr17-29563041-T-G.
Other names: c.3974+2T>G (NM_000267.4).
Identifiers: ClinVar variation 2736546 (VCV002736546.4), dbSNP rs1555615567, ClinGen allele CA398993364.
Genomic context (GRCh38, chr17:31,236,023, plus strand): 5'-CGAATTGTGATCACATCCTCTGATTGGCAACATGTTAGCTTTGAAGTGGATCCTACCAGG[T>G]TTGTCATCTTTTCACATAGAACCGCTGTTTTTTGTTTTTTTTTTTTTGTTTGTTTGTTTT-3'

ClinVar aggregate classification (germline): Pathogenic. Review status: criteria provided, multiple submitters, no conflicts (2 of 4 stars). 2 submissions from 2 submitters: Pathogenic (2). Last evaluated 2024-07-26.

Conditions:
Neurofibromatosis, type 1 (NF1). Also called: Neurofibromatosis, type I; Peripheral type neurofibromatosis; VON RECKLINGHAUSEN DISEASE; NEUROFIBROMATOSIS, TYPE I, SOMATIC. Identifiers: Orphanet 636, MedGen C0027831, MONDO:0018975, OMIM 162200. Disease mechanism: loss of function.
Cardiovascular phenotype. Identifiers: MedGen CN230736.
Hereditary cancer-predisposing syndrome. Also called: Hereditary neoplastic syndrome; Hereditary Cancer Syndrome; Neoplastic Syndromes, Hereditary; Tumor predisposition. Identifiers: Orphanet 140162, MedGen C0027672, MeSH D009386, MONDO:0015356.

Submissions (2):

Ambry Genetics
Classification: Pathogenic for Cardiovascular phenotype; Hereditary cancer-predisposing syndrome. Last evaluated: 2024-07-26. Review status: criteria provided, single submitter. Criteria: Ambry Variant Classification Scheme 2023. Collection method: clinical testing. Allele origin: germline.
Comment: The c.3974+2T>G intronic pathogenic mutation results from a T to G substitution two nucleotides after coding exon 29 in the NF1 gene. This alteration was detected in an individual with NF1 or clinical suspicion of NF1 (Bianchessi D et al. Mol Genet Genomic Med, 2015 Nov;3:513-25). Other alterations impacting the same donor site (c.3974+1G>C, c.3974+1G>A) have been described in multiple individuals with neurofibromatosis type 1 (Ambry internal data; Wimmer K et al. Hum. Mutat., 2007 Jun;28:599-612; Bianchessi D et al. Mol Genet Genomic Med, 2015 Nov;3:513-25). This variant is considered to be rare based on population cohorts in the Genome Aggregation Database (gnomAD). This nucleotide position is highly conserved in available vertebrate species. In silico splice site analysis predicts that this alteration will weaken the native splice donor site. In addition to the clinical data presented in the literature, alterations that disrupt the canonical splice site are expected to cause aberrant splicing, resulting in an abnormal protein or a transcript that is subject to nonsense-mediated mRNA decay. As such, this alteration is classified as a disease-causing mutation.

Labcorp Genetics (formerly Invitae), Labcorp
Classification: Pathogenic for Neurofibromatosis, type 1. Last evaluated: 2022-11-15. Review status: criteria provided, single submitter. Criteria: Invitae Variant Classification Sherloc (09022015). Collection method: clinical testing. Allele origin: germline.
Comment: For these reasons, this variant has been classified as Pathogenic. Studies have shown that disruption of this splice site results in skipping of exon 29 and introduces a premature termination codon (PMID: 17311297). The resulting mRNA is expected to undergo nonsense-mediated decay. This sequence change affects a donor splice site in intron 29 of the NF1 gene. RNA analysis indicates that disruption of this splice site induces altered splicing and may result in an absent or disrupted protein product. Disruption of this splice site has been observed in individual(s) with neurofibromatosis type I (PMID: 17311297, 26740943). This variant is not present in population databases (gnomAD no frequency).

Literature cited by the submitters: PubMed 26740943 (cited by Ambry Genetics and Labcorp Genetics (formerly Invitae), Labcorp); PubMed 17311297 (cited by Labcorp Genetics (formerly Invitae), Labcorp).